The following is an entry in ClinVar:

NM_000238.4(KCNH2):c.1946-2A>C

Gene: KCNH2 (potassium voltage-gated channel subfamily H member 2; minus strand). Cytogenetic location: 7q36.1.
Variant type: single nucleotide variant.
Coding change: c.1946-2A>C on transcript NM_000238.4 (MANE Select); the canonical splice acceptor site of the intron before coding-DNA position 1946, A replaced by C.
Molecular consequence: splice acceptor variant.
Genome position (GRCh38, 1-based): chr7:150,951,122, T>G on the plus strand (A>C on the coding strand, the complement: KCNH2 is on the minus strand). VCF-style: chr7-150951122-T-G. GRCh37 (hg19) VCF-style: chr7-150648210-T-G.
Other names: c.1658-2A>C (NM_001406753.1, NM_001406756.1); c.926-2A>C (NM_172057.3, NM_001204798.2); c.1946-2A>C (NM_172056.3); c.1769-2A>C (NM_001406755.1); c.1646-2A>C (NM_001406757.1).
Identifiers: ClinVar variation 200757 (VCV000200757.15), dbSNP rs794728488, ClinGen allele CA006083.

ClinVar aggregate classification (germline): Pathogenic. Review status: criteria provided, multiple submitters, no conflicts (2 of 4 stars). 4 submissions from 4 submitters: Pathogenic (4). Last evaluated 2026-01-13.

Conditions:
Cardiovascular phenotype. Identifiers: MedGen CN230736.
Long QT syndrome (LQTS). Identifiers: MedGen C0023976, MeSH D008133, MONDO:0002442. Disease mechanism: loss of function. Inheritance: Various modes of inheritance.
Long QT syndrome 2 (LQT2). Identifiers: Orphanet 101016, Orphanet 768, MedGen C3150943, MONDO:0013367, OMIM 613688.

Submissions (4):

Variantyx, Inc.
Classification: Pathogenic for Long QT syndrome 2. Last evaluated: 2026-01-13. Review status: criteria provided, single submitter. Criteria: Variantyx Assertion Criteria 2022. Collection method: clinical testing. Allele origin: germline. Inheritance: Autosomal recessive inheritance. Affected: yes.
Comment: This is a canonical splicing variant in the KCNH2 gene (OMIM: 152427). Pathogenic variants in this gene have been associated with autosomal dominant long QT syndrome 2. This splicing variant is expected to result in loss of function, which is a known disease mechanism for KCNH2 in this disorder (PMID: 32383558, 24530480, 1877410) (PVS1). Alternate changes within the same splice donor/acceptor motif (NM_000238.4: c.1946-1G>C; NM_000238.4: c.1946-1G>A) have been previously reported as pathogenic (PS1). This variant is absent from control populations (PM2). Based on the current evidence, this variant is classified as pathogenic for autosomal dominant long QT syndrome 2.

Labcorp Genetics (formerly Invitae), Labcorp
Classification: Pathogenic for Long QT syndrome. Last evaluated: 2025-12-29. Review status: criteria provided, single submitter. Criteria: Invitae Variant Classification Sherloc (09022015). Collection method: clinical testing. Allele origin: germline.
Comment: This sequence change affects an acceptor splice site in intron 7 of the KCNH2 gene. It is expected to disrupt RNA splicing. Variants that disrupt the donor or acceptor splice site typically lead to a loss of protein function (PMID: 16199547), and loss-of-function variants in KCNH2 are known to be pathogenic (PMID: 10973849, 19862833). This variant is not present in population databases (gnomAD no frequency). Disruption of this splice site has been observed in individuals with clinical features of long QT syndrome (PMID: 23631430; internal data). ClinVar contains an entry for this variant (Variation ID: 200757). Algorithms developed to predict the effect of sequence changes on RNA splicing suggest that this variant may disrupt the consensus splice site. For these reasons, this variant has been classified as Pathogenic.

GeneDx
Classification: Pathogenic. Last evaluated: 2025-03-06. Review status: criteria provided, single submitter. Criteria: GeneDx Variant Classification Process June 2021. Collection method: clinical testing. Allele origin: germline. Affected: yes.
Comment: Reported in an individual referred for LQTS genetic testing at GeneDx (PMID: 23631430); Not observed at significant frequency in large population cohorts (gnomAD); Canonical splice site variant predicted to result in a null allele in a gene for which loss of function is a known mechanism of disease; This variant is associated with the following publications: (PMID: 31589614, 23631430)

Ambry Genetics
Classification: Pathogenic for Cardiovascular phenotype. Last evaluated: 2024-04-12. Review status: criteria provided, single submitter. Criteria: Ambry Variant Classification Scheme 2023. Collection method: clinical testing. Allele origin: germline.
Comment: The c.1946-2A>C intronic pathogenic mutation results from an A to C substitution two nucleotides before coding exon 8 in the KCNH2 gene. This alteration has been reported in a cohort of subjects referred for long QT syndrome (LQTS) genetic testing (Lieve KV et al. Genet Test Mol Biomarkers, 2013 Jul;17:553-61). This variant is considered to be rare based on population cohorts in the Genome Aggregation Database (gnomAD). This nucleotide position is highly conserved in available vertebrate species. In silico splice site analysis predicts that this alteration will weaken the native splice acceptor site and will result in the creation or strengthening of a novel splice acceptor site. In addition to the clinical data presented in the literature, alterations that disrupt the canonical splice site are expected to cause aberrant splicing, resulting in an abnormal protein or a transcript that is subject to nonsense-mediated mRNA decay. As such, this alteration is classified as a disease-causing mutation.

Literature cited by the submitters: PubMed 32383558 (cited by Variantyx, Inc.); PubMed 24530480 (cited by Variantyx, Inc.); PubMed 1877410 (cited by Variantyx, Inc.); PubMed 16199547 (cited by Labcorp Genetics (formerly Invitae), Labcorp); PubMed 10973849 (cited by Labcorp Genetics (formerly Invitae), Labcorp); PubMed 19862833 (cited by Labcorp Genetics (formerly Invitae), Labcorp); PubMed 23631430 (cited by Labcorp Genetics (formerly Invitae), Labcorp and Ambry Genetics).